The following is an entry in ClinVar:

ClinVar aggregate classification (germline): Uncertain significance (1 of 4 stars; one submission).

Allele frequency attached by ClinVar (database versions not stated): ExAC 0.00002; TOPMed 0.00006; ESP Exome Variant Server 0.00008.
gnomAD v4.1: 27 of 1,614,038 alleles (0.0017%); highest among the groups gnomAD compares: South Asian, 0.0088%; no homozygotes.

Submission:

Labcorp Genetics (formerly Invitae), Labcorp
Classification: Uncertain significance. Last evaluated: 2025-10-15. Review status: criteria provided, single submitter. Criteria: Invitae Variant Classification Sherloc (09022015). Collection method: clinical testing. Allele origin: germline.
Comment: This sequence change replaces arginine, which is basic and polar, with histidine, which is basic and polar, at codon 1103 of the DUOX2 protein (p.Arg1103His). This variant is present in population databases (rs149907592, gnomAD 0.01%). This variant has not been reported in the literature in individuals affected with DUOX2-related conditions. ClinVar contains an entry for this variant (Variation ID: 2413572). Invitae Evidence Modeling of protein sequence and biophysical properties (such as structural, functional, and spatial information, amino acid conservation, physicochemical variation, residue mobility, and thermodynamic stability) indicates that this missense variant is expected to disrupt DUOX2 protein function with a positive predictive value of 80%. In summary, the available evidence is currently insufficient to determine the role of this variant in disease. Therefore, it has been classified as a Variant of Uncertain Significance.

NM_001363711.2(DUOX2):c.3308G>A (p.Arg1103His)

Gene: DUOX2 (dual oxidase 2; minus strand). Cytogenetic location: 15q21.1.
Variant type: single nucleotide variant.
Coding change: c.3308G>A on transcript NM_001363711.2 (MANE Select); coding-DNA position 3308, G replaced by A.
Protein change: p.Arg1103His; replaces arginine 1103 with histidine.
Molecular consequence: missense variant.
Genome position (GRCh38, 1-based): chr15:45,099,769, C>T on the plus strand (G>A on the coding strand, the complement: DUOX2 is on the minus strand). VCF-style: chr15-45099769-C-T. GRCh37 (hg19) VCF-style: chr15-45391967-C-T.
Other names: c.3308G>A, p.Arg1103His (NM_014080.5); short protein forms R1103H.
Identifiers: ClinVar variation 2413572 (VCV002413572.5), dbSNP rs149907592, ClinGen allele CA7537923.
Genomic context (GRCh38, chr15:45,099,769, plus strand): 5'-GCGGCATCAAAAGGCACATAGCGGTTGAGGAAAGTCTCTCGCAGGAAGGTTATGAGGTTG[C>T]GGCACATGGTGAGCAAGATATAAGAGAACATGAAGGAGACGCTGGCCGCCGTGCCTCGTG-3'
Protein context (NP_001350640.1, residues 1093-1113): MFSYILLTMC[Arg1103His]NLITFLRETF